The following is an entry in ClinVar:

ClinVar aggregate classification (germline): Uncertain significance. Review status: criteria provided, multiple submitters, no conflicts (2 of 4 stars). 2 submissions from 2 submitters: Uncertain significance (2). Last evaluated 2025-03-19.

Conditions:
Colorectal cancer, hereditary nonpolyposis, type 7. Identifiers: Orphanet 144, MedGen C1858380, MONDO:0013725, OMIM 614385.

Allele frequency attached by ClinVar (database versions not stated): gnomAD exomes below 0.00001.
gnomAD v4.1: 3 of 1,614,008 alleles (0.00019%); highest among the groups gnomAD compares: Non-Finnish European, 0.00025%; no homozygotes.

Submissions (2):

Labcorp Genetics (formerly Invitae), Labcorp
Classification: Uncertain significance for Colorectal cancer, hereditary nonpolyposis, type 7. Last evaluated: 2025-03-19. Review status: criteria provided, single submitter. Criteria: Invitae Variant Classification Sherloc (09022015). Collection method: clinical testing. Allele origin: germline.
Comment: This sequence change replaces threonine, which is neutral and polar, with isoleucine, which is neutral and non-polar, at codon 690 of the MLH3 protein (p.Thr690Ile). This variant is not present in population databases (gnomAD no frequency). This variant has not been reported in the literature in individuals affected with MLH3-related conditions. ClinVar contains an entry for this variant (Variation ID: 960781). An algorithm developed to predict the effect of missense changes on protein structure and function outputs the following: PolyPhen-2: "Benign". The isoleucine amino acid residue is found in multiple mammalian species, which suggests that this missense change does not adversely affect protein function. In summary, the available evidence is currently insufficient to determine the role of this variant in disease. Therefore, it has been classified as a Variant of Uncertain Significance.

Ambry Genetics
Classification: Uncertain significance. Last evaluated: 2025-01-21. Review status: criteria provided, single submitter. Criteria: Ambry Variant Classification Scheme 2023. Collection method: clinical testing. Allele origin: germline.
Comment: The p.T690I variant (also known as c.2069C>T), located in coding exon 1 of the MLH3 gene, results from a C to T substitution at nucleotide position 2069. The threonine at codon 690 is replaced by isoleucine, an amino acid with similar properties. This amino acid position is conserved. In addition, this alteration is predicted to be tolerated by in silico analysis. Since supporting evidence is limited at this time, the clinical significance of this alteration remains unclear.

NM_001040108.2(MLH3):c.2069C>T (p.Thr690Ile)

Gene: MLH3 (mutL homolog 3; minus strand). Cytogenetic location: 14q24.3.
Variant type: single nucleotide variant.
Coding change: c.2069C>T on transcript NM_001040108.2 (MANE Select); coding-DNA position 2069, C replaced by T.
Protein change: p.Thr690Ile; replaces threonine 690 with isoleucine.
Molecular consequence: missense variant.
Genome position (GRCh38, 1-based): chr14:75,047,587, G>A on the plus strand (C>T on the coding strand, the complement: MLH3 is on the minus strand). VCF-style: chr14-75047587-G-A. GRCh37 (hg19) VCF-style: chr14-75514290-G-A.
Other names: c.2069C>T, p.Thr690Ile (NM_014381.3); short protein forms T690I.
Identifiers: ClinVar variation 960781 (VCV000960781.13), dbSNP rs747315256, ClinGen allele CA390443194.